The following is an entry in ClinVar:

NM_015443.4(KANSL1):c.1290-20C>T

Gene: KANSL1 (KAT8 regulatory NSL complex subunit 1). Cytogenetic location: 17q21.31.
Variant type: single nucleotide variant.
Coding change: c.1290-20C>T on transcript NM_015443.4 (MANE Select); 20 bases into the intron before coding-DNA position 1290, C replaced by T.
Molecular consequence: intron variant.
Genome position (GRCh38, 1-based): chr17:46,094,721, G>A on the plus strand (C>T on the coding strand, the complement: KANSL1 is on the minus strand). VCF-style: chr17-46094721-G-A. GRCh37 (hg19) VCF-style: chr17-44172087-G-A.
Other names: c.1290-20C>T (NM_001193465.2, NM_001379198.1, NM_001193466.2).
Identifiers: ClinVar variation 385685 (VCV000385685.9), dbSNP rs373424916, ClinGen allele CA8618849.
Genomic context (GRCh38, chr17:46,094,721, plus strand): 5'-CTGCCCGGTCTGCAGCCCATTTCCATTCTGACCTGCGTCTCCTAAAAGGAAATAAACTGA[G>A]TGAAATCCAAGAGTAGCAGTAATATCTATACCAGATTGGGGGGTGGGGAGTGGAATTTAA-3'

ClinVar aggregate classification (germline): Likely benign. Review status: criteria provided, multiple submitters, no conflicts (2 of 4 stars). 3 submissions from 3 submitters: Likely benign (3). Last evaluated 2022-05-05.

Conditions:
Koolen-de Vries syndrome (KDVS). Identifiers: Orphanet 96169, MedGen C1864871, MONDO:0012496, OMIM 610443.

Allele frequency attached by ClinVar (database versions not stated): ExAC 0.00002; gnomAD exomes 0.00002 and 0.00007; TOPMed 0.00002; ESP Exome Variant Server 0.00008.
gnomAD v4.1: 94 of 1,614,004 alleles (0.0058%); highest among the groups gnomAD compares: Non-Finnish European, 0.008%; no homozygotes.

Submissions (3):

Fulgent Genetics
Classification: Likely benign for Koolen-de Vries syndrome. Last evaluated: 2022-05-05. Review status: criteria provided, single submitter. Criteria: ACMG Guidelines, 2015. Collection method: clinical testing. Allele origin: unknown.

Labcorp Genetics (formerly Invitae), Labcorp
Classification: Likely benign for Koolen-de Vries syndrome. Last evaluated: 2021-04-24. Review status: criteria provided, single submitter. Criteria: Invitae Variant Classification Sherloc (09022015). Collection method: clinical testing. Allele origin: germline.

GeneDx
Classification: Likely benign. Last evaluated: 2016-05-03. Review status: criteria provided, single submitter. Criteria: GeneDx Variant Classification (06012015). Collection method: clinical testing. Allele origin: germline. Affected: yes.
Comment: This variant is considered likely benign or benign based on one or more of the following criteria: it is a conservative change, it occurs at a poorly conserved position in the protein, it is predicted to be benign by multiple in silico algorithms, and/or has population frequency not consistent with disease.